The following is an entry in ClinVar:

ClinVar aggregate classification (germline): Pathogenic/Likely pathogenic. Review status: criteria provided, multiple submitters, no conflicts (2 of 4 stars). 2 submissions from 2 submitters: Pathogenic (1); Likely pathogenic (1). Last evaluated 2023-08-14.

Conditions:
Familial cancer of breast. Also called: Hereditary breast cancer; BREAST CANCER, FAMILIAL; hereditary breast carcinoma. Identifiers: Orphanet 227535, MedGen C0346153, MONDO:0016419, OMIM 114480. Disease mechanism: loss of function.

Submissions (2):

Baylor Genetics
Classification: Likely pathogenic for Familial cancer of breast. Last evaluated: 2023-08-14. Review status: criteria provided, single submitter. Criteria: ACMG Guidelines, 2015. Collection method: clinical testing. Allele origin: unknown.

Myriad Genetics, Inc.
Classification: Pathogenic for Familial cancer of breast. Last evaluated: 2023-07-26. Review status: criteria provided, single submitter. Criteria: Myriad Autosomal Dominant, Autosomal Recessive and X-Linked Classification Criteria (2023). Collection method: clinical testing. Allele origin: unknown.
Comment: This variant is considered pathogenic. This variant creates a frameshift predicted to result in premature protein truncation.

NM_000051.4(ATM):c.5699_5700del (p.Cys1900fs)

Gene: ATM (ATM serine/threonine kinase; plus strand). Cytogenetic location: 11q22.3.
Variant type: Deletion.
Coding change: c.5699_5700del on transcript NM_000051.4 (MANE Select); coding-DNA positions 5699 to 5700, 2 bases deleted (GT; older notation c.5699_5700delGT).
Protein change: p.Cys1900fs; shifts the reading frame from cysteine 1900.
Molecular consequence: frameshift variant.
Genome position (GRCh38, 1-based): chr11:108,307,921-108,307,922, GT deleted; deleting any 2 consecutive bases within chr11:108,307,920-108,307,922 gives the same sequence; the c. name uses the placement nearest the transcript's 3' end. VCF-style (leftmost placement, unchanged base first): chr11-108307919-CTG-C. GRCh37 (hg19) VCF-style: chr11-108178646-CTG-C.
Other names: c.5699_5700del, p.Cys1900fs (NM_001351834.2); short protein forms C1900fs.
Identifiers: ClinVar variation 2673466 (VCV002673466.2), dbSNP rs2547005376, ClinGen allele CA2615859555.